The following is an entry in ClinVar:

ClinVar aggregate classification (germline): Likely pathogenic (1 of 4 stars; one submission).

Conditions:
Hereditary insensitivity to pain with anhidrosis (CIPA). Also called: INSENSITIVITY TO PAIN, CONGENITAL, WITH ANHIDROSIS; hereditary sensory and autonomic neuropathy type 4; FAMILIAL DYSAUTONOMIA, TYPE II; NEUROPATHY, CONGENITAL SENSORY, WITH ANHIDROSIS; NTRK1 Congenital Insensitivity to Pain with Anhidrosis; HSAN Type IV. Identifiers: Orphanet 642, MedGen C0020074, MONDO:0009746, OMIM 256800.

Submission:

Natera, Inc.
Classification: Likely pathogenic for Hereditary insensitivity to pain with anhidrosis. Last evaluated: 2024-10-11. Review status: criteria provided, single submitter. Criteria: Natera Variant Classification Schema (03/2026). Collection method: clinical testing. Allele origin: germline.
Comment: The c.1484-1G>A variant in NTRK1 is a canonical splice acceptor site variant predicted to affect pre-mRNA splicing, which may result in an abnormal transcript and altered protein product. This variant is expected to result in nonsense mediated decay, truncation, or a dysfunctional protein product. This variant is rare in the general population with a frequency below the threshold expected for the associated phenotype(s). Given the available evidence, this variant is classified as Likely Pathogenic.

NM_002529.4(NTRK1):c.1502-1G>A

Gene: NTRK1 (neurotrophic receptor tyrosine kinase 1; plus strand). Cytogenetic location: 1q23.1.
Variant type: single nucleotide variant.
Coding change: c.1502-1G>A on transcript NM_002529.4 (MANE Select); the canonical splice acceptor site of the intron before coding-DNA position 1502, G replaced by A.
Molecular consequence: splice acceptor variant.
Genome position (GRCh38, 1-based): chr1:156,876,079, G>A. VCF-style: chr1-156876079-G-A. GRCh37 (hg19) VCF-style: chr1-156845871-G-A.
Other names: c.1394-1G>A (NM_001007792.1); c.1484-1G>A (NM_001012331.2).
Identifiers: ClinVar variation 4814506 (VCV004814506.1).
Genomic context (GRCh38, chr1:156,876,079, plus strand): 5'-CCGCTACAACCCCAGCCCTCCCAAGACTGGGGCTACCGTCTGACCCTGCAAGCCCCCTCA[G>A]GTGTTCACCACATCAAGCGCCGGGACATCGTGCTCAAGTGGGAGCTGGGGGAGGGCGCCT-3'